The following is an entry in ClinVar:

NM_001008537.3(NEXMIF):c.3460C>T (p.Pro1154Ser)

Gene: NEXMIF (neurite extension and migration factor; minus strand). Cytogenetic location: Xq13.3.
Variant type: single nucleotide variant.
Coding change: c.3460C>T on transcript NM_001008537.3 (MANE Select); coding-DNA position 3460, C replaced by T.
Protein change: p.Pro1154Ser; replaces proline 1154 with serine.
Molecular consequence: missense variant.
Genome position (GRCh38, 1-based): chrX:74,741,097, G>A on the plus strand (C>T on the coding strand, the complement: NEXMIF is on the minus strand). VCF-style: chrX-74741097-G-A. GRCh37 (hg19) VCF-style: chrX-73960932-G-A.
Other names: c.3460C>T (NM_001008537.2); short protein forms P1154S.
Identifiers: ClinVar variation 2857961 (VCV002857961.4), dbSNP rs781129973, ClinGen allele CA331301718.

ClinVar aggregate classification (germline): Uncertain significance. Review status: criteria provided, multiple submitters, no conflicts (2 of 4 stars). 2 submissions from 2 submitters: Uncertain significance (2). Last evaluated 2025-06-06.

Submissions (2):

Ambry Genetics
Classification: Uncertain significance. Last evaluated: 2025-06-06. Review status: criteria provided, single submitter. Criteria: Ambry Variant Classification Scheme 2023. Collection method: clinical testing. Allele origin: germline.

Labcorp Genetics (formerly Invitae), Labcorp
Classification: Uncertain significance. Last evaluated: 2023-04-20. Review status: criteria provided, single submitter. Criteria: Invitae Variant Classification Sherloc (09022015). Collection method: clinical testing. Allele origin: germline.
Comment: This variant has not been reported in the literature in individuals affected with NEXMIF-related conditions. In summary, the available evidence is currently insufficient to determine the role of this variant in disease. Therefore, it has been classified as a Variant of Uncertain Significance. An algorithm developed to predict the effect of missense changes on protein structure and function (PolyPhen-2) suggests that this variant is likely to be disruptive. This variant is not present in population databases (gnomAD no frequency). This sequence change replaces proline, which is neutral and non-polar, with serine, which is neutral and polar, at codon 1154 of the NEXMIF protein (p.Pro1154Ser).